The following is an entry in ClinVar:

ClinVar aggregate classification (germline): Uncertain significance (1 of 4 stars; one submission).

Conditions:
Inborn genetic diseases. Identifiers: MedGen C0950123, MeSH D030342.

Submission:

Ambry Genetics
Classification: Uncertain significance for Inborn genetic diseases. Last evaluated: 2026-06-27. Review status: criteria provided, single submitter. Criteria: Ambry Variant Classification Scheme 2023. Collection method: clinical testing. Allele origin: germline.
Comment: The p.N1243D variant (also known as c.3727A>G), located in coding exon 1 of the SAMD9 gene, results from an A to G substitution at nucleotide position 3727. The asparagine at codon 1243 is replaced by aspartic acid, an amino acid with highly similar properties. This amino acid position is conserved. In addition, this alteration is predicted to be tolerated by in silico analysis. Based on the available evidence, the clinical significance of this variant remains unclear.

NM_017654.4(SAMD9):c.3727A>G (p.Asn1243Asp)

Gene: SAMD9 (sterile alpha motif domain containing 9; minus strand). Cytogenetic location: 7q21.2.
Variant type: single nucleotide variant.
Coding change: c.3727A>G on transcript NM_017654.4 (MANE Select); coding-DNA position 3727, A replaced by G.
Protein change: p.Asn1243Asp; replaces asparagine 1243 with aspartic acid.
Molecular consequence: missense variant.
Genome position (GRCh38, 1-based): chr7:93,102,371, T>C on the plus strand (A>G on the coding strand, the complement: SAMD9 is on the minus strand). VCF-style: chr7-93102371-T-C. GRCh37 (hg19) VCF-style: chr7-92731684-T-C.
Other names: c.3727A>G, p.Asn1243Asp (NM_001193307.2); short protein forms N1243D.
Identifiers: ClinVar variation 5028742 (VCV005028742.1).